The following is an entry in ClinVar:

NM_003467.3(CXCR4):c.878T>A (p.Phe293Tyr)

Gene: CXCR4 (C-X-C motif chemokine receptor 4; minus strand). Cytogenetic location: 2q22.1.
Variant type: single nucleotide variant.
Coding change: c.878T>A on transcript NM_003467.3 (MANE Select); coding-DNA position 878, T replaced by A.
Protein change: p.Phe293Tyr; replaces phenylalanine 293 with tyrosine.
Molecular consequence: missense variant.
Genome position (GRCh38, 1-based): chr2:136,115,050, A>T on the plus strand (T>A on the coding strand, the complement: CXCR4 is on the minus strand). VCF-style: chr2-136115050-A-T. GRCh37 (hg19) VCF-style: chr2-136872620-A-T.
Other names: c.977T>A, p.Phe326Tyr (NM_001348059.2); c.833T>A, p.Phe278Tyr (NM_001348060.2); c.890T>A, p.Phe297Tyr (NM_001008540.2); c.1091T>A, p.Phe364Tyr (NM_001348056.2); short protein forms F278Y, F293Y, F297Y, F364Y, F326Y.
Identifiers: ClinVar variation 4726390 (VCV004726390.1).

ClinVar aggregate classification (germline): Uncertain significance (1 of 4 stars; one submission).

Conditions:
Warts, hypogammaglobulinemia, infections, and myelokathexis. Also called: WHIM syndrome. Identifiers: MedGen C0472817, MONDO:0023880.

Submission:

Labcorp Genetics (formerly Invitae), Labcorp
Classification: Uncertain significance for Warts, hypogammaglobulinemia, infections, and myelokathexis. Last evaluated: 2025-08-31. Review status: criteria provided, single submitter. Criteria: Invitae Variant Classification Sherloc (09022015). Collection method: clinical testing. Allele origin: germline.
Comment: This sequence change replaces phenylalanine, which is neutral and non-polar, with tyrosine, which is neutral and polar, at codon 293 of the CXCR4 protein (p.Phe293Tyr). This variant is not present in population databases (gnomAD no frequency). This variant has not been reported in the literature in individuals affected with CXCR4-related conditions. An algorithm developed to predict the effect of missense changes on protein structure and function (PolyPhen-2) suggests that this variant is likely to be disruptive. In summary, the available evidence is currently insufficient to determine the role of this variant in disease. Therefore, it has been classified as a Variant of Uncertain Significance.